The following is an entry in ClinVar:

ClinVar aggregate classification (germline): Pathogenic (1 of 4 stars; one submission).

Conditions:
Methylmalonic aciduria, cblA type (MACA). Also called: Methylmalonic aciduria, vitamin B12-responsive; Vitamin B12-responsive methylmalonic acidemia type cblA; Methylmalonic aciduria, vitamin b12-responsive, due to defect in synthesis of adenosylcobalamin, cbla complementation type; MMA cbl A type; Methylmalonic acidemia cblA type. Identifiers: Orphanet 28, Orphanet 79310, MedGen C1855109, MONDO:0009613, OMIM 251100.

Submission:

Myriad Genetics, Inc.
Classification: Pathogenic for Methylmalonic aciduria, cblA type. Last evaluated: 2026-04-21. Review status: criteria provided, single submitter. Criteria: Myriad Autosomal Dominant, Autosomal Recessive and X-Linked Classification Criteria (2023). Collection method: clinical testing. Allele origin: unknown.
Comment: NM_172250.2(MMAA):c.295_296del2ins15(A99Ifs*44) is a frameshift variant classified as pathogenic in the context of methylmalonic acidemia, cblA type. A99Ifs*44 has not been observed in cases with relevant disease. Relevant functional assessments of this variant are not available in the literature. A99Ifs*44 has not been observed in referenced population frequency databases. In summary, NM_172250.2(MMAA):c.295_296del2ins15(A99Ifs*44) is a frameshift variant in a gene where loss of function is a known mechanism of disease and is predicted to disrupt protein function. Please note: this variant was assessed in the context of healthy population screening.

NM_172250.3(MMAA):c.295_296delinsATTAATCCAAGGCCT (p.Ala99fs)

Gene: MMAA (metabolism of cobalamin associated A; plus strand). Cytogenetic location: 4q31.21.
Variant type: Indel.
Coding change: c.295_296delinsATTAATCCAAGGCCT on transcript NM_172250.3 (MANE Select); coding-DNA positions 295 to 296, GC replaced by ATTAATCCAAGGCCT.
Protein change: p.Ala99fs; shifts the reading frame from alanine 99.
Molecular consequence: frameshift variant.
Genome position (GRCh38, 1-based): chr4:145,639,434-145,639,435, GC replaced by ATTAATCCAAGGCCT. VCF-style: chr4-145639434-GC-ATTAATCCAAGGCCT. GRCh37 (hg19) VCF-style: chr4-146560586-GC-ATTAATCCAAGGCCT.
Other names: c.295_296delinsATTAATCCAAGGCCT, p.Ala99fs (NM_001375644.1); short protein forms A99fs.
Identifiers: ClinVar variation 5003863 (VCV005003863.1).